The following is an entry in ClinVar:

ClinVar aggregate classification (germline): Uncertain significance (1 of 4 stars; one submission).

gnomAD v4.1: 4 of 1,612,968 alleles (0.00025%); highest among the groups gnomAD compares: Admixed American, 0.0067%; no homozygotes.

Submission:

Labcorp Genetics (formerly Invitae), Labcorp
Classification: Uncertain significance. Last evaluated: 2025-08-29. Review status: criteria provided, single submitter. Criteria: Invitae Variant Classification Sherloc (09022015). Collection method: clinical testing. Allele origin: germline.
Comment: This sequence change falls in intron 4 of the CASZ1 gene. It does not directly change the encoded amino acid sequence of the CASZ1 protein. It affects a nucleotide within the consensus splice site. This variant is present in population databases (rs764529295, gnomAD 0.01%). This variant has not been reported in the literature in individuals affected with CASZ1-related conditions. Variants that disrupt the consensus splice site are a relatively common cause of aberrant splicing (PMID: 17576681, 9536098). Algorithms developed to predict the effect of sequence changes on RNA splicing suggest that this variant is not likely to affect RNA splicing. In summary, the available evidence is currently insufficient to determine the role of this variant in disease. Therefore, it has been classified as a Variant of Uncertain Significance.

Literature cited by the submitters: PubMed 17576681; PubMed 9536098.

NM_001079843.3(CASZ1):c.16+4C>T

Gene: CASZ1 (castor zinc finger 1; minus strand). Cytogenetic location: 1p36.22.
Variant type: single nucleotide variant.
Coding change: c.16+4C>T on transcript NM_001079843.3 (MANE Select); 4 bases into the intron after coding-DNA position 16, C replaced by T.
Molecular consequence: intron variant.
Genome position (GRCh38, 1-based): chr1:10,693,870, G>A on the plus strand (C>T on the coding strand, the complement: CASZ1 is on the minus strand). VCF-style: chr1-10693870-G-A. GRCh37 (hg19) VCF-style: chr1-10753927-G-A.
Other names: c.16+4C>T (NM_017766.5).
Identifiers: ClinVar variation 4702180 (VCV004702180.1).